The following is an entry in ClinVar:

ClinVar aggregate classification (germline): Conflicting classifications of pathogenicity. Review status: criteria provided, conflicting classifications (1 of 4 stars). 3 submissions from 3 submitters: Likely pathogenic (2); Uncertain significance (1). Last evaluated 2025-09-19.

Conditions:
Alport syndrome. Also called: Hemorrhagic familial nephritis; Hemorrhagic hereditary nephritis; Congenital hereditary hematuria. Identifiers: Orphanet 63, MedGen C1567741, MONDO:0018965.
Autosomal recessive Alport syndrome (ATS2). Also called: ALPORT SYNDROME 2, AUTOSOMAL RECESSIVE; COL4A3-Related Nephropathy; Alport syndrome type 2; COL4A4 Alport Syndrome and Thin Basement Membrane Nephropathy. Identifiers: Orphanet 63, Orphanet 88919, MedGen C4746745, MONDO:0008762, OMIM 203780.
Hematuria, benign familial, 1 (BFH1). Also called: THIN MEMBRANE NEPHROPATHY. Identifiers: MedGen CN376803, MONDO:0007709, OMIM 141200.

Submissions (3):

Natera, Inc.
Classification: Likely pathogenic for Alport syndrome. Last evaluated: 2025-09-19. Review status: criteria provided, single submitter. Criteria: Natera Variant Classification Schema (03/2026). Collection method: clinical testing. Allele origin: germline.
Comment: The c.3152G>C variant in COL4A4 is a missense variant predicted to cause substitution of glycine to alanine at amino acid 1051. This variant is rare in the general population with a frequency below the threshold expected for the associated phenotype(s). This variant is located in a functionally critical region of the protein. Computational prediction algorithms indicate this variant is likely to affect gene or protein function. Given the available evidence, this variant is classified as Likely Pathogenic.

Fulgent Genetics
Classification: Likely pathogenic for Hematuria, benign familial, 1; Autosomal recessive Alport syndrome. Last evaluated: 2024-04-24. Review status: criteria provided, single submitter. Criteria: ACMG Guidelines, 2015. Collection method: clinical testing. Allele origin: germline.

Labcorp Genetics (formerly Invitae), Labcorp
Classification: Uncertain significance. Last evaluated: 2022-08-29. Review status: criteria provided, single submitter. Criteria: Invitae Variant Classification Sherloc (09022015). Collection method: clinical testing. Allele origin: germline.
Comment: This sequence change replaces glycine, which is neutral and non-polar, with alanine, which is neutral and non-polar, at codon 1051 of the COL4A4 protein (p.Gly1051Ala). This variant is not present in population databases (gnomAD no frequency). This variant has not been reported in the literature in individuals affected with COL4A4-related conditions. Algorithms developed to predict the effect of missense changes on protein structure and function are either unavailable or do not agree on the potential impact of this missense change (SIFT: "Deleterious"; PolyPhen-2: "Not Available"; Align-GVGD: "Class C0"). In summary, the available evidence is currently insufficient to determine the role of this variant in disease. Therefore, it has been classified as a Variant of Uncertain Significance.

NM_000092.5(COL4A4):c.3152G>C (p.Gly1051Ala)

Gene: COL4A4 (collagen type IV alpha 4 chain; minus strand). Cytogenetic location: 2q36.3.
Variant type: single nucleotide variant.
Coding change: c.3152G>C on transcript NM_000092.5 (MANE Select); coding-DNA position 3152, G replaced by C.
Protein change: p.Gly1051Ala; replaces glycine 1051 with alanine.
Molecular consequence: missense variant.
Genome position (GRCh38, 1-based): chr2:227,050,130, C>G on the plus strand (G>C on the coding strand, the complement: COL4A4 is on the minus strand). VCF-style: chr2-227050130-C-G. GRCh37 (hg19) VCF-style: chr2-227914846-C-G.
Other names: short protein forms G1051A.
Identifiers: ClinVar variation 2153529 (VCV002153529.3), dbSNP rs1973765207, ClinGen allele CA350838912.